The following is an entry in ClinVar:

NM_001022.4(RPS19):c.373C>A (p.Pro125Thr)

Genes: RPS19 (ribosomal protein S19; plus strand), RPS19-CD79A (RPS19-CD79A readthrough; plus strand). Cytogenetic location: 19q13.2.
Variant type: single nucleotide variant.
Coding change: c.373C>A on transcript NM_001022.4 (MANE Select); coding-DNA position 373, C replaced by A.
Protein change: p.Pro125Thr; replaces proline 125 with threonine.
Molecular consequence: missense variant.
Genome position (GRCh38, 1-based): chr19:41,869,715, C>A. VCF-style: chr19-41869715-C-A. GRCh37 (hg19) VCF-style: chr19-42373785-C-A.
Other names: c.373C>A, p.Pro125Thr (NM_001321483.2, NM_001321484.2); c.386C>A, p.Thr129Asn (NM_001321485.2); short protein forms T129N, P125T.
Identifiers: ClinVar variation 2731061 (VCV002731061.4), dbSNP rs781898903, ClinGen allele CA9465426.

ClinVar aggregate classification (germline): Uncertain significance. Review status: criteria provided, multiple submitters, no conflicts (2 of 4 stars). 2 submissions from 2 submitters: Uncertain significance (2). Last evaluated 2024-05-14.

Conditions:
Diamond-Blackfan anemia. Also called: Blackfan Diamond syndrome; Aregenerative anemia chronic congenital; Red cell aplasia, pure hereditary; Congenital hypoplastic anemia; Aase syndrome. Identifiers: Orphanet 124, MedGen C1260899, MeSH D029503, MONDO:0015253, HP:0004810.
Diamond-Blackfan anemia 1 (DBA1). Also called: RPS19-Related Diamond-Blackfan Anemia; BLACKFAN-DIAMOND SYNDROME; ANEMIA, CONGENITAL HYPOPLASTIC, OF BLACKFAN AND DIAMOND; ANEMIA, CONGENITAL ERYTHROID HYPOPLASTIC; RED CELL APLASIA, PURE, HEREDITARY; AREGENERATIVE ANEMIA, CHRONIC CONGENITAL. Identifiers: Orphanet 124, MedGen C2676137, MONDO:0007110, OMIM 105650.

Allele frequency attached by ClinVar (database versions not stated): gnomAD exomes below 0.00001; TOPMed 0.00001; ExAC 0.00002.
gnomAD v4.1: 4 of 1,614,156 alleles (0.00025%); highest among the groups gnomAD compares: Admixed American, 0.005%; no homozygotes.

Submissions (2):

Fulgent Genetics
Classification: Uncertain significance for Diamond-Blackfan anemia 1. Last evaluated: 2024-05-14. Review status: criteria provided, single submitter. Criteria: ACMG Guidelines, 2015. Collection method: clinical testing. Allele origin: germline.

Labcorp Genetics (formerly Invitae), Labcorp
Classification: Uncertain significance for Diamond-Blackfan anemia. Last evaluated: 2023-05-02. Review status: criteria provided, single submitter. Criteria: Invitae Variant Classification Sherloc (09022015). Collection method: clinical testing. Allele origin: germline.
Comment: This sequence change replaces proline, which is neutral and non-polar, with threonine, which is neutral and polar, at codon 125 of the RPS19 protein (p.Pro125Thr). This variant is present in population databases (rs781898903, gnomAD 0.009%). In summary, the available evidence is currently insufficient to determine the role of this variant in disease. Therefore, it has been classified as a Variant of Uncertain Significance. An algorithm developed to predict the effect of missense changes on protein structure and function (PolyPhen-2) suggests that this variant is likely to be tolerated. This variant has not been reported in the literature in individuals affected with RPS19-related conditions.